The following is an entry in ClinVar:

ClinVar aggregate classification (germline): Uncertain significance (1 of 4 stars; one submission).

Submission:

GeneDx
Classification: Uncertain significance. Last evaluated: 2022-08-24. Review status: criteria provided, single submitter. Criteria: GeneDx Variant Classification Process June 2021. Collection method: clinical testing. Allele origin: germline. Affected: yes.
Comment: Not observed at significant frequency in large population cohorts (gnomAD); In silico analysis supports that this missense variant does not alter protein structure/function; Has not been previously published as pathogenic or benign to our knowledge

NM_020706.2(SCAF4):c.137T>C (p.Ile46Thr)

Gene: SCAF4 (SR-related CTD associated factor 4; minus strand). Cytogenetic location: 21q22.11.
Variant type: single nucleotide variant.
Coding change: c.137T>C on transcript NM_020706.2 (MANE Select); coding-DNA position 137, T replaced by C.
Protein change: p.Ile46Thr; replaces isoleucine 46 with threonine.
Molecular consequence: missense variant. On other transcripts: intron variant (1).
Genome position (GRCh38, 1-based): chr21:31,705,445, A>G on the plus strand (T>C on the coding strand, the complement: SCAF4 is on the minus strand). VCF-style: chr21-31705445-A-G. GRCh37 (hg19) VCF-style: chr21-33077758-A-G.
Other names: c.137T>C, p.Ile46Thr (NM_001145445.1); c.114+829T>C (NM_001145444.1); short protein forms I46T.
Identifiers: ClinVar variation 2430736 (VCV002430736.1), dbSNP rs2516818083, ClinGen allele CA410051810.